The following is an entry in ClinVar:

ClinVar aggregate classification (germline): Conflicting classifications of pathogenicity. Review status: criteria provided, conflicting classifications (1 of 4 stars). 10 submissions from 10 submitters: Uncertain significance (7); Likely benign (2). 1 of the submissions does not count toward it. Last evaluated 2025-09-03.

Conditions:
LPIN2-related disorder. Also called: LPIN2-related condition.
Autoinflammatory syndrome. Identifiers: Orphanet 93665, MedGen C3890737, MONDO:0019751.
Majeed syndrome (MJDS). Also called: LPIN2-Related Majeed Syndrome; CHRONIC RECURRENT MULTIFOCAL OSTEOMYELITIS 1, WITH CONGENITAL DYSERYTHROPOIETIC ANEMIA, WITH OR WITHOUT NEUTROPHILIC DERMATOSIS. Identifiers: Orphanet 77297, MedGen C1864997, MONDO:0012316, OMIM 609628.

Allele frequency attached by ClinVar (database versions not stated): ESP Exome Variant Server 0.00008; TOPMed 0.00020; 1000 Genomes Project 30x 0.00031; ExAC 0.00032; gnomAD 0.00033 and 0.00034; gnomAD exomes 0.00034 and 0.00056; 1000 Genomes Project 0.00040.
gnomAD v4.1: 858 of 1,614,142 alleles (0.053%); highest among the groups gnomAD compares: Non-Finnish European, 0.065%; no homozygotes.

Submissions (10):

Mayo Clinic Laboratories, Mayo Clinic
Classification: Uncertain significance. Last evaluated: 2025-09-03. Review status: criteria provided, single submitter. Criteria: ACMG Guidelines, 2015. Collection method: clinical testing. Allele origin: germline. Observed: 2 variant alleles.
Comment: BP4

Blueprint Genetics
Classification: Uncertain significance. Last evaluated: 2024-10-25. Review status: criteria provided, single submitter. Criteria: ACMG Guidelines, 2015. Collection method: clinical testing. Allele origin: germline.

GeneDx
Classification: Uncertain significance. Last evaluated: 2024-09-09. Review status: criteria provided, single submitter. Criteria: GeneDx Variant Classification Process June 2021. Collection method: clinical testing. Allele origin: germline. Affected: yes.
Comment: In silico analysis indicates that this missense variant does not alter protein structure/function; Reported in a patient with low HDL-C levels in published literature (PMID: 23685560); This variant is associated with the following publications: (PMID: 23685560)

Revvity Omics, Revvity
Classification: Uncertain significance for Majeed syndrome. Last evaluated: 2024-05-02. Review status: criteria provided, single submitter. Criteria: ACMG Guidelines, 2015. Collection method: clinical testing. Allele origin: germline.

Labcorp Genetics (formerly Invitae), Labcorp
Classification: Uncertain significance for Majeed syndrome. Last evaluated: 2022-10-17. Review status: criteria provided, single submitter. Criteria: Invitae Variant Classification Sherloc (09022015). Collection method: clinical testing. Allele origin: germline.
Comment: This sequence change replaces aspartic acid, which is acidic and polar, with asparagine, which is neutral and polar, at codon 891 of the LPIN2 protein (p.Asp891Asn). This variant is present in population databases (rs200648652, gnomAD 0.06%). This variant has not been reported in the literature in individuals affected with LPIN2-related conditions. ClinVar contains an entry for this variant (Variation ID: 326632). Advanced modeling of protein sequence and biophysical properties (such as structural, functional, and spatial information, amino acid conservation, physicochemical variation, residue mobility, and thermodynamic stability) performed at Invitae indicates that this missense variant is not expected to disrupt LPIN2 protein function. In summary, the available evidence is currently insufficient to determine the role of this variant in disease. Therefore, it has been classified as a Variant of Uncertain Significance.

Genome Diagnostics Laboratory, The Hospital for Sick Children
Classification: Uncertain significance for Autoinflammatory syndrome. Last evaluated: 2021-08-03. Review status: criteria provided, single submitter. Criteria: ACMG Guidelines, 2015. Collection method: clinical testing. Allele origin: germline. Affected: yes.

Illumina Laboratory Services, Illumina
Classification: Uncertain significance for Majeed syndrome. Last evaluated: 2018-01-13. Review status: criteria provided, single submitter. Criteria: ICSL Variant Classification Criteria 13 December 2019. Collection method: clinical testing. Allele origin: germline.

Clinical Genetics DNA and cytogenetics Diagnostics Lab, Erasmus MC, Erasmus Medical Center
Classification: Likely benign for Majeed syndrome. Last evaluated: 2017-01-04. Review status: criteria provided, single submitter. Criteria: ACGS Guidelines, 2013. Collection method: clinical testing. Allele origin: germline. Affected: yes. Study: VKGL Data-share Consensus.

Genome Diagnostics Laboratory, University Medical Center Utrecht
Classification: Likely benign for Majeed syndrome. Last evaluated: 2014-10-09. Review status: criteria provided, single submitter. Criteria: ACGS Guidelines, 2013. Collection method: clinical testing. Allele origin: germline. Affected: yes. Study: VKGL Data-share Consensus.

PreventionGenetics, part of Exact Sciences
Classification: Uncertain significance for LPIN2-related condition. Last evaluated: 2024-01-16. Review status: no assertion criteria provided. Collection method: clinical testing. Allele origin: germline. Not counted in ClinVar's aggregate classification.
Comment: The LPIN2 c.2671G>A variant is predicted to result in the amino acid substitution p.Asp891Asn. To our knowledge, this variant has not been reported in the literature. This variant is reported in 0.060% of alleles in individuals of European (Non-Finnish) descent in gnomAD. At this time, the clinical significance of this variant is uncertain due to the absence of conclusive functional and genetic evidence.

NM_001375808.2(LPIN2):c.2671G>A (p.Asp891Asn)

Gene: LPIN2 (lipin 2; minus strand). Cytogenetic location: 18p11.31.
Variant type: single nucleotide variant.
Coding change: c.2671G>A on transcript NM_001375808.2 (MANE Select); coding-DNA position 2671, G replaced by A.
Protein change: p.Asp891Asn; replaces aspartic acid 891 with asparagine.
Molecular consequence: missense variant.
Genome position (GRCh38, 1-based): chr18:2,920,313, C>T on the plus strand (G>A on the coding strand, the complement: LPIN2 is on the minus strand). VCF-style: chr18-2920313-C-T. GRCh37 (hg19) VCF-style: chr18-2920311-C-T.
Other names: p.Asp891Asn; c.2671G>A, p.Asp891Asn (NM_001375809.1, NM_014646.2); short protein forms D891N.
Identifiers: ClinVar variation 326632 (VCV000326632.26), dbSNP rs200648652, ClinGen allele CA8872637.